The following is an entry in ClinVar:

ClinVar aggregate classification (germline): Uncertain significance. Review status: criteria provided, multiple submitters, no conflicts (2 of 4 stars). 2 submissions from 2 submitters: Uncertain significance (2). Last evaluated 2025-10-07.

Conditions:
Inborn genetic diseases. Identifiers: MedGen C0950123, MeSH D030342.
PROK2-related disorder. Also called: PROK2-related condition.

gnomAD v4.1: 4 of 1,249,118 alleles (0.00032%); highest among the groups gnomAD compares: Admixed American, 0.013%; no homozygotes.

Submissions (2):

Ambry Genetics
Classification: Uncertain significance for Inborn genetic diseases. Last evaluated: 2025-10-07. Review status: criteria provided, single submitter. Criteria: Ambry Variant Classification Scheme 2023. Collection method: clinical testing. Allele origin: germline.

PreventionGenetics, part of Exact Sciences
Classification: Uncertain significance for PROK2-related condition. Last evaluated: 2025-08-07. Review status: criteria provided, single submitter. Criteria: ACMG Guidelines, 2015. Collection method: clinical testing. Allele origin: germline.
Comment: The PROK2 c.62C>T variant is predicted to result in the amino acid substitution p.Thr21Met. To our knowledge, this variant has not been reported in the literature or in a large population database (gnomAD), indicating this variant is rare. At this time, the clinical significance of this variant is uncertain due to the absence of conclusive functional and genetic evidence.

NM_001126128.2(PROK2):c.62C>T (p.Thr21Met)

Gene: PROK2 (prokineticin 2; minus strand). Cytogenetic location: 3p13.
Variant type: single nucleotide variant.
Coding change: c.62C>T on transcript NM_001126128.2 (MANE Select); coding-DNA position 62, C replaced by T.
Protein change: p.Thr21Met; replaces threonine 21 with methionine.
Molecular consequence: missense variant.
Genome position (GRCh38, 1-based): chr3:71,784,991, G>A on the plus strand (C>T on the coding strand, the complement: PROK2 is on the minus strand). VCF-style: chr3-71784991-G-A. GRCh37 (hg19) VCF-style: chr3-71834142-G-A.
Other names: c.62C>T, p.Thr21Met (NM_021935.4); short protein forms T21M.
Identifiers: ClinVar variation 4628443 (VCV004628443.2).